The following is an entry in ClinVar:

ClinVar aggregate classification (germline): Uncertain significance. Review status: criteria provided, multiple submitters, no conflicts (2 of 4 stars). 2 submissions from 2 submitters: Uncertain significance (2). Last evaluated 2025-11-01.

Conditions:
Inborn genetic diseases. Identifiers: MedGen C0950123, MeSH D030342.

Submissions (2):

CeGaT Center for Human Genetics Tuebingen
Classification: Uncertain significance. Last evaluated: 2025-11-01. Review status: criteria provided, single submitter. Criteria: CeGaT Center For Human Genetics Tuebingen Variant Classification Criteria Version 2. Collection method: clinical testing. Allele origin: germline. Affected: yes. Observed: 1 variant allele.
Comment: FOXL2: PM2, PP2, PP3

Ambry Genetics
Classification: Uncertain significance for Inborn genetic diseases. Last evaluated: 2025-10-18. Review status: criteria provided, single submitter. Criteria: Ambry Variant Classification Scheme 2023. Collection method: clinical testing. Allele origin: germline.

NM_023067.4(FOXL2):c.802C>A (p.Pro268Thr)

Gene: FOXL2 (forkhead box L2; minus strand). Cytogenetic location: 3q22.3.
Variant type: single nucleotide variant.
Coding change: c.802C>A on transcript NM_023067.4 (MANE Select); coding-DNA position 802, C replaced by A.
Protein change: p.Pro268Thr; replaces proline 268 with threonine.
Molecular consequence: missense variant.
Genome position (GRCh38, 1-based): chr3:138,945,921, G>T on the plus strand (C>A on the coding strand, the complement: FOXL2 is on the minus strand). VCF-style: chr3-138945921-G-T. GRCh37 (hg19) VCF-style: chr3-138664763-G-T.
Other names: c.802C>A (NM_023067.3); short protein forms P268T.
Identifiers: ClinVar variation 4534031 (VCV004534031.6).